The following is an entry in ClinVar:

NM_004415.4(DSP):c.6264A>G (p.Ala2088=)

Gene: DSP (desmoplakin; plus strand). Cytogenetic location: 6p24.3.
Variant type: single nucleotide variant.
Coding change: c.6264A>G on transcript NM_004415.4 (MANE Select); coding-DNA position 6264, A replaced by G.
Protein change: p.Ala2088=; no amino-acid change (alanine 2088 retained).
Molecular consequence: synonymous variant.
Genome position (GRCh38, 1-based): chr6:7,583,526, A>G. VCF-style: chr6-7583526-A-G. GRCh37 (hg19) VCF-style: chr6-7583759-A-G.
Other names: c.4467A>G, p.Ala1489= (NM_001008844.3); c.4935A>G, p.Ala1645= (NM_001319034.2).
Identifiers: ClinVar variation 3342051 (VCV003342051.16).
Genomic context (GRCh38, chr6:7,583,526, plus strand): 5'-TGTCGACAGTGCCATAGCTCGGGACCTCATTGACTTCGATGACCGTCAGCAGATATATGC[A>G]GCAGAAAAAGCTATCACTGGTTTTGATGATCCATTTTCAGGCAAGACAGTATCTGTTTCA-3'
Protein context (NP_004406.2, residues 2078-2098): IDFDDRQQIY[Ala2088=]AEKAITGFDD

ClinVar aggregate classification (germline): Likely benign (1 of 4 stars; one submission).

Submission:

CeGaT Center for Human Genetics Tuebingen
Classification: Likely benign. Last evaluated: 2024-09-01. Review status: criteria provided, single submitter. Criteria: CeGaT Center For Human Genetics Tuebingen Variant Classification Criteria Version 2. Collection method: clinical testing. Allele origin: germline. Affected: yes. Observed: 1 variant allele.
Comment: DSP: PM2:Supporting, BP4, BP7